The following is an entry in ClinVar:

ClinVar aggregate classification (germline): Pathogenic (1 of 4 stars; one submission).

Submission:

GeneDx
Classification: Pathogenic. Last evaluated: 2023-01-23. Review status: criteria provided, single submitter. Criteria: GeneDx Variant Classification Process June 2021. Collection method: clinical testing. Allele origin: germline. Affected: yes.
Comment: Not observed at significant frequency in large population cohorts (Database of Genomic Variants); In silico analysis supports that this missense variant has a deleterious effect on protein structure/function; Has not been previously published as pathogenic or benign to our knowledge; This variant is associated with the following publications: (PMID: 27839871)

NM_001134407.3(GRIN2A):c.1961T>G (p.Ile654Ser)

Gene: GRIN2A (glutamate ionotropic receptor NMDA type subunit 2A; minus strand). Cytogenetic location: 16p13.2.
Variant type: single nucleotide variant.
Coding change: c.1961T>G on transcript NM_001134407.3 (MANE Select); coding-DNA position 1961, T replaced by G.
Protein change: p.Ile654Ser; replaces isoleucine 654 with serine.
Molecular consequence: missense variant.
Genome position (GRCh38, 1-based): chr16:9,829,469, A>C on the plus strand (T>G on the coding strand, the complement: GRIN2A is on the minus strand). VCF-style: chr16-9829469-A-C. GRCh37 (hg19) VCF-style: chr16-9923326-A-C.
Other names: c.1961T>G, p.Ile654Ser (NM_000833.5, NM_001134408.2); short protein forms I654S.
Identifiers: ClinVar variation 1693388 (VCV001693388.3), dbSNP rs2042447540, ClinGen allele CA394799237.
Genomic context (GRCh38, chr16:9,829,469, plus strand): 5'-CAAGGTGACCTTACCTTTTTGTCACTGAGGCCGGTCACTTGGTCCACAAATTCCTCTTGG[A>C]TCATGAAGGCAGCCAGATTGGCTGTGTAGCTAGCCAGGAATATGACAGCGAAGAAGGCCC-3'
Protein context (NP_001127879.1, residues 644-664): SYTANLAAFM[Ile654Ser]QEEFVDQVTG